The following is an entry in ClinVar:

ClinVar aggregate classification (germline): Uncertain significance (1 of 4 stars; one submission).

Conditions:
POLD1-related polyposis and colorectal cancer syndrome (CRCS10). Also called: Colorectal cancer 10; COLORECTAL CANCER, SUSCEPTIBILITY TO, ON CHROMOSOME 19q; Colorectal cancer, susceptibility to, 10. Identifiers: Orphanet 220460, MedGen C2675481, MONDO:0012953, OMIM 612591.

Submission:

Labcorp Genetics (formerly Invitae), Labcorp
Classification: Uncertain significance for POLD1-related polyposis and colorectal cancer syndrome. Last evaluated: 2021-03-11. Review status: criteria provided, single submitter. Criteria: Invitae Variant Classification Sherloc (09022015). Collection method: clinical testing. Allele origin: germline.
Comment: This sequence change replaces proline with serine at codon 800 of the POLD1 protein (p.Pro800Ser). The proline residue is highly conserved and there is a moderate physicochemical difference between proline and serine. This variant is not present in population databases (ExAC no frequency). This variant has not been reported in the literature in individuals with POLD1-related conditions. Algorithms developed to predict the effect of missense changes on protein structure and function are either unavailable or do not agree on the potential impact of this missense change (SIFT: "Deleterious"; PolyPhen-2: "Probably Damaging"; Align-GVGD: "Class C0"). In summary, the available evidence is currently insufficient to determine the role of this variant in disease. Therefore, it has been classified as a Variant of Uncertain Significance.

NM_002691.4(POLD1):c.2398C>T (p.Pro800Ser)

Gene: POLD1 (DNA polymerase delta 1, catalytic subunit; plus strand). Cytogenetic location: 19q13.33.
Variant type: single nucleotide variant.
Coding change: c.2398C>T on transcript NM_002691.4 (MANE Select); coding-DNA position 2398, C replaced by T.
Protein change: p.Pro800Ser; replaces proline 800 with serine.
Molecular consequence: missense variant. On other transcripts: non-coding transcript variant (1).
Genome position (GRCh38, 1-based): chr19:50,414,824, C>T. VCF-style: chr19-50414824-C-T. GRCh37 (hg19) VCF-style: chr19-50918081-C-T.
Other names: c.2398C>T, p.Pro800Ser (NM_001256849.1); c.2476C>T, p.Pro826Ser (NM_001308632.1); short protein forms P800S, P826S.
Identifiers: ClinVar variation 1471527 (VCV001471527.8), dbSNP rs2122463798, ClinGen allele CA406984538.